The following is an entry in ClinVar:

NM_152542.5(PPM1K):c.339C>T (p.Phe113=)

Gene: PPM1K (protein phosphatase, Mg2+/Mn2+ dependent 1K; minus strand). Cytogenetic location: 4q22.1.
Variant type: single nucleotide variant.
Coding change: c.339C>T on transcript NM_152542.5 (MANE Select); coding-DNA position 339, C replaced by T.
Protein change: p.Phe113=; no amino-acid change (phenylalanine 113 retained).
Molecular consequence: synonymous variant.
Genome position (GRCh38, 1-based): chr4:88,278,245, G>A on the plus strand (C>T on the coding strand, the complement: PPM1K is on the minus strand). VCF-style: chr4-88278245-G-A. GRCh37 (hg19) VCF-style: chr4-89199397-G-A.
Other names: p.Phe113=.
Identifiers: ClinVar variation 473874 (VCV000473874.14), dbSNP rs116564150, ClinGen allele CA3005319.

ClinVar aggregate classification (germline): Benign. Review status: criteria provided, multiple submitters, no conflicts (2 of 4 stars). 3 submissions from 3 submitters: Benign (3). Last evaluated 2026-01-27.

Conditions:
Maple syrup urine disease, mild variant (MSUDMV). Identifiers: Orphanet 511, MedGen C3554575, MONDO:0014057, OMIM 615135.

Allele frequency attached by ClinVar (database versions not stated): 1000 Genomes Project 30x 0.00437; 1000 Genomes Project 0.00439; TOPMed 0.00657; ESP Exome Variant Server 0.00661; gnomAD 0.00747 and 0.00759; gnomAD exomes 0.00769 and 0.01028; ExAC 0.00805.
gnomAD v4.1: 16,124 of 1,614,138 alleles (1%); highest among the groups gnomAD compares: Non-Finnish European, 1.1%; 111 homozygotes.

Submissions (3):

Labcorp Genetics (formerly Invitae), Labcorp
Classification: Benign for Maple syrup urine disease, mild variant. Last evaluated: 2026-01-27. Review status: criteria provided, single submitter. Criteria: Invitae Variant Classification Sherloc (09022015). Collection method: clinical testing. Allele origin: germline.

Mayo Clinic Laboratories, Mayo Clinic
Classification: Benign. Last evaluated: 2025-06-23. Review status: criteria provided, single submitter. Criteria: ACMG Guidelines, 2015. Collection method: clinical testing. Allele origin: germline. Observed: 2 variant alleles.
Comment: BS1, BS2, BP4, BP7

Breakthrough Genomics
Classification: Benign. Review status: criteria provided, single submitter. Criteria: ACMG Guidelines, 2015. Collection method: not provided. Allele origin: germline. Inheritance: Autosomal recessive inheritance. Affected: yes.